The following is an entry in ClinVar:

ClinVar aggregate classification (germline): Likely benign (1 of 4 stars; one submission).

Submission:

CeGaT Center for Human Genetics Tuebingen
Classification: Likely benign. Last evaluated: 2025-10-01. Review status: criteria provided, single submitter. Criteria: CeGaT Center For Human Genetics Tuebingen Variant Classification Criteria Version 2. Collection method: clinical testing. Allele origin: germline. Affected: yes. Observed: 1 variant allele.
Comment: PRAMEF1: BS2

NM_023013.4(PRAMEF1):c.825A>T (p.Lys275Asn)

Gene: PRAMEF1 (PRAME family member 1; plus strand). Cytogenetic location: 1p36.21.
Variant type: single nucleotide variant.
Coding change: c.825A>T on transcript NM_023013.4 (MANE Select); coding-DNA position 825, A replaced by T.
Protein change: p.Lys275Asn; replaces lysine 275 with asparagine.
Molecular consequence: missense variant.
Genome position (GRCh38, 1-based): chr1:12,794,452, A>T. VCF-style: chr1-12794452-A-T. GRCh37 (hg19) VCF-style: chr1-12854601-A-T.
Other names: short protein forms K275N.
Identifiers: ClinVar variation 4533939 (VCV004533939.6).